The following is an entry in ClinVar:

ClinVar aggregate classification (germline): Uncertain significance (1 of 4 stars; one submission).

Conditions:
Inborn genetic diseases. Identifiers: MedGen C0950123, MeSH D030342.

Submission:

Ambry Genetics
Classification: Uncertain significance for Inborn genetic diseases. Last evaluated: 2021-05-10. Review status: criteria provided, single submitter. Criteria: Ambry Variant Classification Scheme 2023. Collection method: clinical testing. Allele origin: germline.
Comment: The c.990+3A>G intronic alteration consists of a A to G substitution nucleotides after coding exon 3 in the FASTKD2 gene. Based on insufficient or conflicting evidence, the clinical significance of this alteration remains unclear.

NM_001136193.2(FASTKD2):c.990+3A>G

Gene: FASTKD2 (FAST kinase domains 2; plus strand). Cytogenetic location: 2q33.3.
Variant type: single nucleotide variant.
Coding change: c.990+3A>G on transcript NM_001136193.2 (MANE Select); 3 bases into the intron after coding-DNA position 990, A replaced by G.
Molecular consequence: intron variant.
Genome position (GRCh38, 1-based): chr2:206,771,293, A>G. VCF-style: chr2-206771293-A-G. GRCh37 (hg19) VCF-style: chr2-207636017-A-G.
Other names: c.990+3A>G (NM_001136194.2, NM_014929.4).
Identifiers: ClinVar variation 2230746 (VCV002230746.2), dbSNP rs2468813450, ClinGen allele CA2580065480.